The following is an entry in ClinVar:

NM_006939.4(SOS2):c.1690C>A (p.Pro564Thr)

Gene: SOS2 (SOS Ras/Rho guanine nucleotide exchange factor 2; minus strand). Cytogenetic location: 14q21.3.
Variant type: single nucleotide variant.
Coding change: c.1690C>A on transcript NM_006939.4 (MANE Select); coding-DNA position 1690, C replaced by A.
Protein change: p.Pro564Thr; replaces proline 564 with threonine.
Molecular consequence: missense variant.
Genome position (GRCh38, 1-based): chr14:50,159,593, G>T on the plus strand (C>A on the coding strand, the complement: SOS2 is on the minus strand). VCF-style: chr14-50159593-G-T. GRCh37 (hg19) VCF-style: chr14-50626311-G-T.
Other names: c.1591C>A, p.Pro531Thr (NM_001411020.1); short protein forms P531T, P564T.
Identifiers: ClinVar variation 3366214 (VCV003366214.1).

ClinVar aggregate classification (germline): Uncertain significance (1 of 4 stars; one submission).

Submission:

GeneDx
Classification: Uncertain significance. Last evaluated: 2023-11-01. Review status: criteria provided, single submitter. Criteria: GeneDx Variant Classification Process June 2021. Collection method: clinical testing. Allele origin: germline. Affected: yes.
Comment: Not observed at significant frequency in large population cohorts (gnomAD); In silico analysis supports that this missense variant has a deleterious effect on protein structure/function; Has not been previously published as pathogenic or benign to our knowledge